The following is an entry in ClinVar:

ClinVar aggregate classification (germline): Uncertain significance (1 of 4 stars; one submission).

Submission:

Mayo Clinic Laboratories, Mayo Clinic
Classification: Uncertain significance. Last evaluated: 2024-09-04. Review status: criteria provided, single submitter. Criteria: ACMG Guidelines, 2015. Collection method: clinical testing. Allele origin: germline. Observed: 1 variant allele.
Comment: PM4

NM_001206927.2(DNAH8):c.8605_8607del (p.Ser2869del)

Gene: DNAH8 (dynein axonemal heavy chain 8; plus strand). Cytogenetic location: 6p21.2.
Variant type: Deletion.
Coding change: c.8605_8607del on transcript NM_001206927.2 (MANE Select); coding-DNA positions 8605 to 8607, 3 bases deleted (TCT; older notation c.8605_8607delTCT).
Protein change: p.Ser2869del; deletes serine 2869.
Genome position (GRCh38, 1-based): chr6:38,894,722-38,894,724, TCT deleted; deleting any 3 consecutive bases within chr6:38,894,720-38,894,724 gives the same sequence; the c. name uses the placement nearest the transcript's 3' end. VCF-style (leftmost placement, unchanged base first): chr6-38894719-CCTT-C. GRCh37 (hg19) VCF-style: chr6-38862495-CCTT-C.
Other names: p.Ser2869del; c.7954_7956del, p.Ser2652del (NM_001371.4); short protein forms S2652del, S2869del.
Identifiers: ClinVar variation 3379674 (VCV003379674.1).